The following is an entry in ClinVar:

ClinVar aggregate classification (germline): Uncertain significance (1 of 4 stars; one submission).

Submission:

Labcorp Genetics (formerly Invitae), Labcorp
Classification: Uncertain significance. Last evaluated: 2022-06-05. Review status: criteria provided, single submitter. Criteria: Invitae Variant Classification Sherloc (09022015). Collection method: clinical testing. Allele origin: germline.
Comment: In summary, the available evidence is currently insufficient to determine the role of this variant in disease. Therefore, it has been classified as a Variant of Uncertain Significance. Variants that disrupt the consensus splice site are a relatively common cause of aberrant splicing (PMID: 17576681, 9536098). Algorithms developed to predict the effect of sequence changes on RNA splicing suggest that this variant may disrupt the consensus splice site. ClinVar contains an entry for this variant (Variation ID: 1501212). This variant has not been reported in the literature in individuals affected with DGKZ-related conditions. Information on the frequency of this variant in the gnomAD database is not available, as this variant may be reported differently in the database. This sequence change falls in intron 19 of the DGKZ gene. It does not directly change the encoded amino acid sequence of the DGKZ protein. It affects a nucleotide within the consensus splice site.

Literature cited by the submitters: PubMed 17576681; PubMed 9536098.

NM_001199267.2(DGKZ):c.1596-4_1596-3delinsAA

Gene: DGKZ (diacylglycerol kinase zeta; plus strand). Cytogenetic location: 11p11.2.
Variant type: Indel.
Coding change: c.1596-4_1596-3delinsAA on transcript NM_001199267.2 (MANE Select); 4 bases into the intron before coding-DNA position 1596 through 3 bases into the intron before coding-DNA position 1596, GC replaced by AA.
Molecular consequence: intron variant.
Genome position (GRCh38, 1-based): chr11:46,374,930-46,374,931, GC replaced by AA. VCF-style: chr11-46374930-GC-AA. GRCh37 (hg19) VCF-style: chr11-46396480-GC-AA.
Other names: c.1647-4_1647-3delinsAA (NM_201532.3); c.1611-4_1611-3delinsAA (NM_201533.3); c.1599-4_1599-3delinsAA (NM_001199266.2, NM_003646.4); c.1530-4_1530-3delinsAA (NM_001199268.2); c.2163-4_2163-3delinsAA (NM_001105540.2).
Identifiers: ClinVar variation 1501212 (VCV001501212.6), dbSNP rs2136499836, ClinGen allele CA2573146340.
Genomic context (GRCh38, chr11:46,374,930, plus strand): 5'-GCCCTGCTGTCCTTGTCCTGCAGAGACTGTGTTTTGAGGCCCATGTCATCGCCCGCCTTT[GC>AA]AGGTACTGTGCGGGCACCATGCCCTGGGGCCACCCTGGGGAGCACCACGACTTTGAGCCC-3'